The following is an entry in ClinVar:

ClinVar aggregate classification (germline): Uncertain significance (1 of 4 stars; one submission).

Allele frequency attached by ClinVar (database versions not stated): gnomAD exomes below 0.00001; ExAC 0.00001.

Submission:

Labcorp Genetics (formerly Invitae), Labcorp
Classification: Uncertain significance. Last evaluated: 2022-02-20. Review status: criteria provided, single submitter. Criteria: Invitae Variant Classification Sherloc (09022015). Collection method: clinical testing. Allele origin: germline.
Comment: This sequence change creates a premature translational stop signal (p.Arg47*) in the FBLN5 gene. It is expected to result in an absent or disrupted protein product. However, the current clinical and genetic evidence is not sufficient to establish whether loss-of-function variants in FBLN5 cause disease. This variant is present in population databases (rs756627474, gnomAD 0.0009%). This variant has not been reported in the literature in individuals affected with FBLN5-related conditions. In summary, the available evidence is currently insufficient to determine the role of this variant in disease. Therefore, it has been classified as a Variant of Uncertain Significance.

NM_006329.4(FBLN5):c.139C>T (p.Arg47Ter)

Gene: FBLN5 (fibulin 5; minus strand). Cytogenetic location: 14q32.12.
Variant type: single nucleotide variant.
Coding change: c.139C>T on transcript NM_006329.4 (MANE Select); coding-DNA position 139, C replaced by T.
Protein change: p.Arg47Ter; replaces arginine 47 with a stop codon.
Molecular consequence: nonsense. On other transcripts: 5 prime UTR variant (2).
Genome position (GRCh38, 1-based): chr14:91,937,187, G>A on the plus strand (C>T on the coding strand, the complement: FBLN5 is on the minus strand). VCF-style: chr14-91937187-G-A. GRCh37 (hg19) VCF-style: chr14-92403531-G-A.
Other names: c.262C>T, p.Arg88Ter (NM_001384158.1); c.190C>T, p.Arg64Ter (NM_001384159.1); c.139C>T, p.Arg47Ter (NM_001384160.1); c.-30C>T (NM_001384161.1, NM_001384162.1); short protein forms R88*, R47*, R64*.
Identifiers: ClinVar variation 2100510 (VCV002100510.4), dbSNP rs756627474, ClinGen allele CA7312926.